The following is an entry in ClinVar:

NM_004656.4(BAP1):c.2057-18G>A

Gene: BAP1 (BRCA1 associated deubiquitinase 1; minus strand). Cytogenetic location: 3p21.1.
Variant type: single nucleotide variant.
Coding change: c.2057-18G>A on transcript NM_004656.4 (MANE Select); 18 bases into the intron before coding-DNA position 2057, G replaced by A.
Molecular consequence: intron variant.
Genome position (GRCh38, 1-based): chr3:52,402,439, C>T on the plus strand (G>A on the coding strand, the complement: BAP1 is on the minus strand). VCF-style: chr3-52402439-C-T. GRCh37 (hg19) VCF-style: chr3-52436455-C-T.
Identifiers: ClinVar variation 918308 (VCV000918308.11), dbSNP rs776521900, ClinGen allele CA2436600.

ClinVar aggregate classification (germline): Likely benign. Review status: criteria provided, multiple submitters, no conflicts (2 of 4 stars). 3 submissions from 3 submitters: Likely benign (3). Last evaluated 2025-02-05.

Conditions:
BAP1-related tumor predisposition syndrome (TPDS1). Also called: Tumor susceptibility linked to germline BAP1 mutations; COMMON Syndrome; TUMOR PREDISPOSITION SYNDROME 1; BAP1 tumor predisposition syndrome. Identifiers: Orphanet 289539, MedGen C3280492, MONDO:0013692, OMIM 614327.
Hereditary cancer-predisposing syndrome. Also called: Neoplastic Syndromes, Hereditary; Tumor predisposition; Hereditary Cancer Syndrome; Hereditary neoplastic syndrome. Identifiers: Orphanet 140162, MedGen C0027672, MeSH D009386, MONDO:0015356.

Allele frequency attached by ClinVar (database versions not stated): TOPMed below 0.00001; gnomAD exomes 0.00001 and 0.00002; ExAC 0.00006.
gnomAD v4.1: 3 of 1,570,452 alleles (0.00019%); highest among the groups gnomAD compares: East Asian, 0.0024%; no homozygotes.

Submissions (3):

Labcorp Genetics (formerly Invitae), Labcorp
Classification: Likely benign for BAP1-related tumor predisposition syndrome. Last evaluated: 2025-02-05. Review status: criteria provided, single submitter. Criteria: Invitae Variant Classification Sherloc (09022015). Collection method: clinical testing. Allele origin: germline.

Myriad Genetics, Inc.
Classification: Likely benign for BAP1-related tumor predisposition syndrome. Last evaluated: 2024-07-17. Review status: criteria provided, single submitter. Criteria: Myriad Autosomal Dominant, Autosomal Recessive and X-Linked Classification Criteria (2023). Collection method: clinical testing. Allele origin: unknown.
Comment: This variant is considered likely benign. This variant is intronic and is not expected to impact mRNA splicing.

Color Diagnostics, LLC DBA Color Health
Classification: Likely benign for Hereditary cancer-predisposing syndrome. Last evaluated: 2019-01-02. Review status: criteria provided, single submitter. Criteria: ACMG Guidelines, 2015. Collection method: clinical testing. Allele origin: germline.